The following is an entry in ClinVar:

ClinVar aggregate classification (germline): Conflicting classifications of pathogenicity. Review status: criteria provided, conflicting classifications (1 of 4 stars). 5 submissions from 3 submitters: Uncertain significance (3); Benign (1); Likely benign (1). Last evaluated 2025-09-10.

Conditions:
Corticosterone methyloxidase type 2 deficiency. Also called: 18-OXIDASE DEFICIENCY; ALDOSTERONE DEFICIENCY DUE TO DEFICIENCY OF STEROID 18-OXIDASE; ALDOSTERONE DEFICIENCY II; CMO II DEFICIENCY; STEROID 18-OXIDASE DEFICIENCY. Identifiers: Orphanet 427, MedGen C3463917, MONDO:0012524, OMIM 610600. Disease mechanism: loss of function.
Corticosterone 18-monooxygenase deficiency. Also called: ALDOSTERONE DEFICIENCY DUE TO DEFECT IN STEROID 18-HYDROXYLASE; ALDOSTERONE DEFICIENCY I; CMO I DEFICIENCY; STEROID 18-HYDROXYLASE DEFICIENCY; 18 Hydroxylase deficiency; Aldosterone deficiency due to defect in 18 hydroxylase. Identifiers: Orphanet 427, MedGen C0268293, MONDO:0008751, OMIM 203400. Disease mechanism: loss of function.
Glucocorticoid-remediable aldosteronism. Also called: Hyperaldosteronism, familial, type I; ACTH-DEPENDENT HYPERALDOSTERONISM SYNDROME; ALDOSTERONISM, SENSITIVE TO DEXAMETHASONE; FH I; GLUCOCORTICOID-SUPPRESSIBLE HYPERALDOSTERONISM. Identifiers: Orphanet 403, MedGen C3838731, MONDO:0007080, OMIM 103900.

Allele frequency attached by ClinVar (database versions not stated): gnomAD 0.00009; gnomAD exomes 0.00011; TOPMed 0.00011; ExAC 0.00012; ESP Exome Variant Server 0.00023.
gnomAD v4.1: 153 of 1,613,856 alleles (0.0095%); highest among the groups gnomAD compares: Non-Finnish European, 0.0073%; 1 homozygote.

Submissions (5):

Labcorp Genetics (formerly Invitae), Labcorp
Classification: Likely benign. Last evaluated: 2025-09-10. Review status: criteria provided, single submitter. Criteria: Invitae Variant Classification Sherloc (09022015). Collection method: clinical testing. Allele origin: germline.

Fulgent Genetics
Classification: Uncertain significance for Corticosterone 18-monooxygenase deficiency; Corticosterone methyloxidase type 2 deficiency. Last evaluated: 2024-02-22. Review status: criteria provided, single submitter. Criteria: ACMG Guidelines, 2015. Collection method: clinical testing. Allele origin: germline.

Illumina Laboratory Services, Illumina
Classification: Uncertain significance for Corticosterone 18-monooxygenase deficiency. Last evaluated: 2018-01-12. Review status: criteria provided, single submitter. Criteria: ICSL Variant Classification Criteria 13 December 2019. Collection method: clinical testing. Allele origin: germline.

Illumina Laboratory Services, Illumina
Classification: Benign for Hyperaldosteronism, familial, type I. Last evaluated: 2018-01-12. Review status: criteria provided, single submitter. Criteria: ICSL Variant Classification Criteria 13 December 2019. Collection method: clinical testing. Allele origin: germline.
Comment: This variant was observed in the ICSL laboratory as part of a predisposition screen in an ostensibly healthy population. It had not been previously curated by ICSL or reported in the Human Gene Mutation Database (HGMD: prior to June 1st, 2018), and was therefore a candidate for classification through an automated scoring system. Utilizing variant allele frequency, disease prevalence and penetrance estimates, and inheritance mode, an automated score was calculated to assess if this variant is too frequent to cause the disease. Based on the score and internal cut-off values, a variant classified as benign is not then subjected to further curation. The score for this variant resulted in a classification of benign for this disease.

Illumina Laboratory Services, Illumina
Classification: Uncertain significance for Corticosterone methyloxidase type 2 deficiency. Last evaluated: 2018-01-12. Review status: criteria provided, single submitter. Criteria: ICSL Variant Classification Criteria 13 December 2019. Collection method: clinical testing. Allele origin: germline.

NM_000498.3(CYP11B2):c.1006G>A (p.Val336Met)

Genes: CYP11B2 (cytochrome P450 family 11 subfamily B member 2; minus strand), LOC106799834 (CYP11B2 recombination region; plus strand). Cytogenetic location: 8q24.3.
Variant type: single nucleotide variant.
Coding change: c.1006G>A on transcript NM_000498.3 (MANE Select); coding-DNA position 1006, G replaced by A.
Protein change: p.Val336Met; replaces valine 336 with methionine.
Molecular consequence: missense variant.
Genome position (GRCh38, 1-based): chr8:142,913,400, C>T on the plus strand (G>A on the coding strand, the complement: CYP11B2 is on the minus strand). VCF-style: chr8-142913400-C-T. GRCh37 (hg19) VCF-style: chr8-143994816-C-T.
Other names: short protein forms V336M.
Identifiers: ClinVar variation 362203 (VCV000362203.13), dbSNP rs373369254, ClinGen allele CA4905971.